The following is an entry in ClinVar:

NM_001366385.1(CARD14):c.1660G>C (p.Gly554Arg)

Gene: CARD14 (caspase recruitment domain family member 14; plus strand). Cytogenetic location: 17q25.3.
Variant type: single nucleotide variant.
Coding change: c.1660G>C on transcript NM_001366385.1 (MANE Select); coding-DNA position 1660, G replaced by C.
Protein change: p.Gly554Arg; replaces glycine 554 with arginine.
Molecular consequence: missense variant. On other transcripts: non-coding transcript variant (1).
Genome position (GRCh38, 1-based): chr17:80,198,400, G>C. VCF-style: chr17-80198400-G-C. GRCh37 (hg19) VCF-style: chr17-78172199-G-C.
Other names: c.1660G>C, p.Gly554Arg (NM_001257970.1, NM_024110.4); c.949G>C, p.Gly317Arg (NM_052819.3); short protein forms G317R, G554R.
Identifiers: ClinVar variation 1347364 (VCV001347364.6), dbSNP rs567315820, ClinGen allele CA401350769.

ClinVar aggregate classification (germline): Uncertain significance (1 of 4 stars; one submission).

Conditions:
Pityriasis rubra pilaris (PRP). Also called: Pityriasis rubra pilaris--familial type. Identifiers: Orphanet 2897, MedGen C0032027, MONDO:0100017, OMIM 173200, MONDO:0008251.
Psoriasis 2. Identifiers: MedGen C1864497, MONDO:0011269, OMIM 602723.

gnomAD v4.1: 5 of 1,598,572 alleles (0.00031%); highest among the groups gnomAD compares: Non-Finnish European, 0.00043%; no homozygotes.

Submission:

Labcorp Genetics (formerly Invitae), Labcorp
Classification: Uncertain significance for Pityriasis rubra pilaris; Psoriasis 2. Last evaluated: 2025-02-10. Review status: criteria provided, single submitter. Criteria: Invitae Variant Classification Sherloc (09022015). Collection method: clinical testing. Allele origin: germline.
Comment: This sequence change replaces glycine, which is neutral and non-polar, with arginine, which is basic and polar, at codon 554 of the CARD14 protein (p.Gly554Arg). This variant is not present in population databases (gnomAD no frequency). This variant has not been reported in the literature in individuals affected with CARD14-related conditions. ClinVar contains an entry for this variant (Variation ID: 1347364). Invitae Evidence Modeling of protein sequence and biophysical properties (such as structural, functional, and spatial information, amino acid conservation, physicochemical variation, residue mobility, and thermodynamic stability) indicates that this missense variant is not expected to disrupt CARD14 protein function with a negative predictive value of 95%. In summary, the available evidence is currently insufficient to determine the role of this variant in disease. Therefore, it has been classified as a Variant of Uncertain Significance.